The following is an entry in ClinVar:

ClinVar aggregate classification (germline): Pathogenic (1 of 4 stars; one submission).

Submission:

Quest Diagnostics Nichols Institute San Juan Capistrano
Classification: Pathogenic. Last evaluated: 2021-11-02. Review status: criteria provided, single submitter. Criteria: ACMG/ClinGen CNV Guidelines, 2019. Collection method: clinical testing. Allele origin: unknown.
Comment: This deletion interval involves the 5' portion of NRXN1 (OMIM 600565) gene. Biallelic variation of NRXN1 can cause autosomal recessive Pitt-Hopkins-like syndrome-2 (OMIM 614325). Additionally, heterozygous deletion of NRXN1 has been reported in patients with a wide spectrum of developmental and neuropsychiatric disorders, including intellectual disability, autism spectrum disorders, hypotonia and epilepsy, and disorders of speech and verbal expression. While some deletions occurred de novo/segregated with disease in families, others were inherited from asymptomatic parents, suggesting reduced penetrance and variable expressivity. Despite this, and the occurrence of NRXN1 deletions in the general populations of the Database of Genomic Variants, a recent study suggests partial deletions near the 5' end have a higher penetrance for expression of neurodevelopmental phenotypes compared to those at the 3' end (Lowther et al. Genet Med. 2017 Jan;19(1):53-61. PMID: 27195815). Thus, the classification of this copy number variant (CNV) is pathogenic.

GRCh37/hg19 2p16.3(chr2:50765561-51220138)x1

Gene: NRXN1 (neurexin 1; minus strand). Cytogenetic location: 2p16.3.
Variant type: copy number loss.
Change: copy number 1 (one copy instead of two) of chr2:50,765,561-51,220,138 (454.6 kb, GRCh37 coordinates, 1-based), cytogenetic band 2p16.3.
Identifiers: ClinVar variation 1807795 (VCV001807795.1).